The following is an entry in ClinVar:

NM_000171.4(GLRA1):c.1226T>A (p.Ile409Asn)

Gene: GLRA1 (glycine receptor alpha 1; minus strand). Cytogenetic location: 5q33.1.
Variant type: single nucleotide variant.
Coding change: c.1226T>A on transcript NM_000171.4 (MANE Select); coding-DNA position 1226, T replaced by A.
Protein change: p.Ile409Asn; replaces isoleucine 409 with asparagine.
Molecular consequence: missense variant.
Genome position (GRCh38, 1-based): chr5:151,822,797, A>T on the plus strand (T>A on the coding strand, the complement: GLRA1 is on the minus strand). VCF-style: chr5-151822797-A-T. GRCh37 (hg19) VCF-style: chr5-151202358-A-T.
Other names: c.1226T>A (NM_000171.3); c.1250T>A, p.Ile417Asn (NM_001146040.2); c.977T>A, p.Ile326Asn (NM_001292000.2); short protein forms I417N, I326N, I409N.
Identifiers: ClinVar variation 2198389 (VCV002198389.6), dbSNP rs2479886739, ClinGen allele CA361849886.

ClinVar aggregate classification (germline): Uncertain significance. Review status: criteria provided, multiple submitters, no conflicts (2 of 4 stars). 3 submissions from 3 submitters: Uncertain significance (3). Last evaluated 2025-07-21.

Conditions:
Hereditary hyperekplexia. Identifiers: Orphanet 3197, MedGen C4084968, MONDO:0021022.
Inborn genetic diseases. Identifiers: MedGen C0950123, MeSH D030342.
Hyperekplexia 1 (STHE). Also called: STARTLE DISEASE, FAMILIAL; STIFF-BABY SYNDROME; STIFF-MAN SYNDROME, CONGENITAL; STIFF-PERSON SYNDROME, CONGENITAL; EXAGGERATED STARTLE REACTION; KOK DISEASE. Identifiers: Orphanet 3197, MedGen C4551954, MONDO:0007868, OMIM 149400.

gnomAD v4.1: 3 of 1,614,080 alleles (0.00019%); highest among the groups gnomAD compares: Admixed American, 0.005%; no homozygotes.

Submissions (3):

Labcorp Genetics (formerly Invitae), Labcorp
Classification: Uncertain significance for Hereditary hyperekplexia. Last evaluated: 2025-07-21. Review status: criteria provided, single submitter. Criteria: Invitae Variant Classification Sherloc (09022015). Collection method: clinical testing. Allele origin: germline.
Comment: This sequence change replaces isoleucine, which is neutral and non-polar, with asparagine, which is neutral and polar, at codon 409 of the GLRA1 protein (p.Ile409Asn). This variant is not present in population databases (gnomAD no frequency). This variant has not been reported in the literature in individuals affected with GLRA1-related conditions. ClinVar contains an entry for this variant (Variation ID: 2198389). Invitae Evidence Modeling of protein sequence and biophysical properties (such as structural, functional, and spatial information, amino acid conservation, physicochemical variation, residue mobility, and thermodynamic stability) indicates that this missense variant is not expected to disrupt GLRA1 protein function with a negative predictive value of 80%. In summary, the available evidence is currently insufficient to determine the role of this variant in disease. Therefore, it has been classified as a Variant of Uncertain Significance.

Ambry Genetics
Classification: Uncertain significance for Inborn genetic diseases. Last evaluated: 2025-06-18. Review status: criteria provided, single submitter. Criteria: Ambry Variant Classification Scheme 2023. Collection method: clinical testing. Allele origin: germline.

Center for Genomics, Ann and Robert H. Lurie Children's Hospital of Chicago
Classification: Uncertain significance for Hyperekplexia 1. Last evaluated: 2022-09-28. Review status: criteria provided, single submitter. Criteria: ACMG Guidelines, 2015. Collection method: clinical testing. Allele origin: germline.
Comment: This variant has not been reported in the literature and is not present in large control databases. Evolutionary conservation and computational predictive tools for this variant are unclear. In summary, data on this variant is insufficient for disease classification. Therefore, the clinical significance of this variant is uncertain.